The following is an entry in ClinVar:

NM_001276270.2(MBD4):c.129G>C (p.Leu43Phe)

Gene: MBD4 (methyl-CpG binding domain 4, DNA glycosylase; minus strand). Cytogenetic location: 3q21.3.
Variant type: single nucleotide variant.
Coding change: c.129G>C on transcript NM_001276270.2 (MANE Select); coding-DNA position 129, G replaced by C.
Protein change: p.Leu43Phe; replaces leucine 43 with phenylalanine.
Molecular consequence: missense variant.
Genome position (GRCh38, 1-based): chr3:129,437,926, C>G on the plus strand (G>C on the coding strand, the complement: MBD4 is on the minus strand). VCF-style: chr3-129437926-C-G. GRCh37 (hg19) VCF-style: chr3-129156769-C-G.
Other names: c.129G>C, p.Leu43Phe (NM_001276271.2, NM_001276272.2, NM_001276273.2 and 1 more transcripts); short protein forms L43F.
Identifiers: ClinVar variation 3543761 (VCV003543761.2).
Genomic context (GRCh38, chr3:129,437,926, plus strand): 5'-GGGATTACATTCACTGCTTCTTTTTATCATCATTTGTTCCTCATCTTCTCCCACTCTTTC[C>G]AATTCCATAGCAACATCTTCTTTGCTGGAAAAACAAAGTCTAAGTGATTAACTTATTTAA-3'
Protein context (NP_001263199.1, residues 33-53): DLRKEDVAME[Leu43Phe]ERVGEDEEQM

ClinVar aggregate classification (germline): Uncertain significance. Review status: criteria provided, multiple submitters, no conflicts (2 of 4 stars). 2 submissions from 2 submitters: Uncertain significance (2). Last evaluated 2025-07-31.

Conditions:
Inborn genetic diseases. Identifiers: MedGen C0950123, MeSH D030342.

Submissions (2):

Labcorp Genetics (formerly Invitae), Labcorp
Classification: Uncertain significance. Last evaluated: 2025-07-31. Review status: criteria provided, single submitter. Criteria: Invitae Variant Classification Sherloc (09022015). Collection method: clinical testing. Allele origin: germline.
Comment: This sequence change replaces leucine, which is neutral and non-polar, with phenylalanine, which is neutral and non-polar, at codon 43 of the MBD4 protein (p.Leu43Phe). This variant is not present in population databases (gnomAD no frequency). This variant has not been reported in the literature in individuals affected with MBD4-related conditions. ClinVar contains an entry for this variant (Variation ID: 3543761). An algorithm developed to predict the effect of missense changes on protein structure and function (PolyPhen-2) suggests that this variant is likely to be disruptive. In summary, the available evidence is currently insufficient to determine the role of this variant in disease. Therefore, it has been classified as a Variant of Uncertain Significance.

Ambry Genetics
Classification: Uncertain significance for Inborn genetic diseases. Last evaluated: 2024-11-22. Review status: criteria provided, single submitter. Criteria: Ambry Variant Classification Scheme 2023. Collection method: clinical testing. Allele origin: germline.
Comment: The p.L43F variant (also known as c.129G>C), located in coding exon 2 of the MBD4 gene, results from a G to C substitution at nucleotide position 129. The leucine at codon 43 is replaced by phenylalanine, an amino acid with highly similar properties. This amino acid position is conserved. In addition, this alteration is predicted to be tolerated by in silico analysis. Based on the available evidence, the clinical significance of this variant remains unclear.